The following continues an entry in ClinVar:

NM_000059.4(BRCA2):c.978C>A (p.Ser326Arg)

Gene: BRCA2. ClinVar aggregate classification (germline): Benign. Benign (1).

Submissions 18 to 37 of 37:

PreventionGenetics, part of Exact Sciences
Classification: Likely benign. Last evaluated: 2017-07-28. Review status: criteria provided, single submitter. Criteria: ACMG Guidelines, 2015. Collection method: clinical testing. Allele origin: germline. Not counted in ClinVar's aggregate classification.

Cancer Genetics and Genomics Laboratory, British Columbia Cancer Agency
Classification: Benign. Last evaluated: 2017-04-18. Review status: criteria provided, single submitter. Criteria: ACMG Guidelines, 2015. Collection method: clinical testing. Allele origin: germline. Study: The Canadian Open Genetics Repository (COGR). Not counted in ClinVar's aggregate classification.

Center for Pediatric Genomic Medicine, Children's Mercy Hospital and Clinics
Classification: Uncertain significance. Last evaluated: 2016-07-29. Review status: criteria provided, single submitter. Criteria: ACMG Guidelines, 2015. Collection method: clinical testing. Allele origin: germline. Not counted in ClinVar's aggregate classification.
ClinVar note: Converted during submission from Uncertain Significance to Uncertain significance.

Laboratory for Molecular Medicine, Mass General Brigham Personalized Medicine
Classification: Uncertain significance. Last evaluated: 2016-03-28. Review status: criteria provided, single submitter. Criteria: LMM Criteria. Collection method: clinical testing. Allele origin: germline. Not counted in ClinVar's aggregate classification.
Comment: Variant identified in a genome or exome case(s) and assessed due to predicted null impact of the variant or pathogenic assertions in the literature or databases. Disclaimer: This variant has not undergone full assessment. The following are preliminary notes: Multiple publications classify as VUS/not pathogenic; ExAC: 0.1% (83/72816) of European chromosomes (Finnish and Non-Finnish)

Clinical Genetics DNA and cytogenetics Diagnostics Lab, Erasmus MC, Erasmus Medical Center
Classification: Benign for Breast-ovarian cancer, familial, susceptibility to, 2. Last evaluated: 2015-09-21. Review status: criteria provided, single submitter. Criteria: ACGS Guidelines, 2013. Collection method: clinical testing. Allele origin: germline. Affected: yes. Study: VKGL Data-share Consensus. Not counted in ClinVar's aggregate classification.

Color Diagnostics, LLC DBA Color Health
Classification: Likely benign for Hereditary cancer-predisposing syndrome. Last evaluated: 2015-01-14. Review status: criteria provided, single submitter. Criteria: ACMG Guidelines, 2015. Collection method: clinical testing. Allele origin: germline. Not counted in ClinVar's aggregate classification.

Ambry Genetics
Classification: Benign for Hereditary cancer-predisposing syndrome. Last evaluated: 2014-11-19. Review status: criteria provided, single submitter. Criteria: Ambry Variant Classification Scheme 2023. Collection method: clinical testing. Allele origin: germline. Not counted in ClinVar's aggregate classification.

Molecular Genetics Laboratory, University of Michigan
Classification: Benign for Breast-ovarian cancer, familial, susceptibility to, 2. Last evaluated: 2014-11-03. Review status: criteria provided, single submitter. Criteria: ACMG Guidelines, 2015. Collection method: clinical testing. Allele origin: germline. Affected: yes. Not counted in ClinVar's aggregate classification.

Genome Diagnostics Laboratory, University Medical Center Utrecht
Classification: Benign for Breast-ovarian cancer, familial, susceptibility to, 2. Last evaluated: 2014-10-09. Review status: criteria provided, single submitter. Criteria: ACGS Guidelines, 2013. Collection method: clinical testing. Allele origin: germline. Affected: yes. Study: VKGL Data-share Consensus. Not counted in ClinVar's aggregate classification.

CSER _CC_NCGL, University of Washington
Classification: Likely benign for Breast cancer. Last evaluated: 2014-06-01. Review status: criteria provided, single submitter. Criteria: Amendola et al. (Genome Res. 2015). Collection method: research. Allele origin: germline. Inheritance: Autosomal dominant inheritance. Study: ESP 6500 variant annotation. Not counted in ClinVar's aggregate classification.
Comment: Variants classified for the Actionable exomic incidental findings in 6503 participants: challenges of variant classification manuscript

Mayo Clinic Laboratories, Mayo Clinic
Classification: Benign. Last evaluated: 2017-10-25. Review status: no assertion criteria provided. Collection method: clinical testing. Allele origin: unknown. Not counted in ClinVar's aggregate classification.

Counsyl
Classification: Benign for Breast-ovarian cancer, familial 2. Last evaluated: 2014-05-29. Review status: no assertion criteria provided. Collection method: literature only. Allele origin: unknown. Inheritance: Autosomal dominant inheritance. Not counted in ClinVar's aggregate classification.

ITMI
No classification provided. Condition: AllHighlyPenetrant. Last evaluated: 2013-09-19. Review status: no classification provided. Collection method: reference population. Allele origin: germline. Not counted in ClinVar's aggregate classification.
Comment: Please see associated publication for description of ethnicities

Sharing Clinical Reports Project (SCRP)
Classification: Benign for Breast-ovarian cancer, familial 2. Last evaluated: 2012-09-11. Review status: no assertion criteria provided. Collection method: clinical testing. Allele origin: germline. Not counted in ClinVar's aggregate classification.

Breast Cancer Information Core (BIC) (BRCA2)
Classification: Benign for Breast-ovarian cancer, familial 2. Last evaluated: 2002-05-29. Review status: no assertion criteria provided. Collection method: clinical testing. Allele origin: germline. Affected: yes. Observed: 105 variant alleles. Not counted in ClinVar's aggregate classification.

Clinical Genetics Laboratory, Department of Pathology, Netherlands Cancer Institute
Classification: Benign. Review status: no assertion criteria provided. Collection method: clinical testing. Allele origin: germline. Affected: yes. Study: VKGL Data-share Consensus. Not counted in ClinVar's aggregate classification.

Department of Pathology and Laboratory Medicine, Sinai Health System
Classification: Benign. Review status: no assertion criteria provided. Collection method: clinical testing. Allele origin: unknown. Affected: yes. Study: The Canadian Open Genetics Repository (COGR). Not counted in ClinVar's aggregate classification.
Comment: The c.978C>A, p.Ser326Arg variant has been previously identified in our laboratory in 4 patients with breast cancer as well as pancreatic cancer. It has also been reported in the literature in 11 of 11054 proband chromosomes in individuals with breast, ovarian and prostate cancer patients. The variant was not observed in any of the 206 control chromosomes tested (Edwards_2003, Spearman_2008, Caux-Moncoutier_2010, Sinilnikova_1999, Kote-Jarai_2011, Lee_2008, Martin_2001, Sinclair_2000, Shih_2000, Schroeder_2010, Schroeder, Rajasekaran_2008). These authors suggest that the variant be classified either as a variant of unknown significance or as a benign variant. It is listed in dbSNP database as coming from a "clinical source" (ID#:rs28897706) and in the exome variant server database with a global minor allele frequency (MAF) of 0.001 (1000 Genomes), increasing the likelihood that this is a low frequency benign variant. In addition, in two studies, the variant did not segregate with the disease (Shih_2000_11106241, Sinclair_2000_10728701). This residue is not conserved in mammals and the variant amino acid Arginine (Arg) is present in chicken and computational analyses (PolyPhen, SIFT, AlignGVGD) do not predict any effect on the protein function increasing the likelihood this variant does not have functional significance. The variant is observed in the UMD database in 5 of 30 individuals who had a second pathogenic mutation identified, again increasing the likelihood this variant is benign. The variant was also identified in In summary, based on the above information, this variant is classified as benign.

Diagnostic Laboratory, Department of Genetics, University Medical Center Groningen
Classification: Benign for Breast-ovarian cancer, familial, susceptibility to, 2. Review status: no assertion criteria provided. Collection method: clinical testing. Allele origin: germline. Affected: yes. Study: VKGL Data-share Consensus. Not counted in ClinVar's aggregate classification.

Joint Genome Diagnostic Labs from Nijmegen and Maastricht, Radboudumc and MUMC+
Classification: Benign. Review status: no assertion criteria provided. Collection method: clinical testing. Allele origin: germline. Affected: yes. Study: VKGL Data-share Consensus. Not counted in ClinVar's aggregate classification.

Laboratory of Diagnostic Genome Analysis, Leiden University Medical Center (LUMC)
Classification: Benign. Review status: no assertion criteria provided. Collection method: clinical testing. Allele origin: germline. Affected: yes. Study: VKGL Data-share Consensus. Not counted in ClinVar's aggregate classification.

Literature cited by the submitters: PubMed 21990134 (cited by 3 submitters); PubMed 24323938 (cited by Illumina Laboratory Services, Illumina); PubMed 24728327 (cited by Illumina Laboratory Services, Illumina and ITMI); PubMed 22729890 (cited by Illumina Laboratory Services, Illumina and Counsyl); PubMed 21952622 (cited by Illumina Laboratory Services, Illumina and Counsyl); PubMed 24055113 (cited by Illumina Laboratory Services, Illumina and Counsyl); PubMed 21702907 (cited by Illumina Laboratory Services, Illumina and Counsyl); PubMed 10399947 (cited by Illumina Laboratory Services, Illumina and Counsyl); PubMed 18824701 (cited by Illumina Laboratory Services, Illumina and Counsyl); PubMed 25637381 (cited by Illumina Laboratory Services, Illumina); PubMed 21520273 (cited by Illumina Laboratory Services, Illumina and Counsyl); PubMed 12474142 (cited by Counsyl); PubMed 18724707 (cited by Counsyl); PubMed 11106241 (cited by Counsyl); PubMed 23231788 (cited by Counsyl).